The following is an entry in ClinVar:

ClinVar aggregate classification (germline): Conflicting classifications of pathogenicity. Review status: criteria provided, conflicting classifications (1 of 4 stars). 3 submissions from 3 submitters: Uncertain significance (1); Likely benign (2). Last evaluated 2024-09-30.

Conditions:
Brugada syndrome 4 (BRGDA4). Identifiers: Orphanet 130, MedGen C2678477, MONDO:0012743, OMIM 611876.

Allele frequency attached by ClinVar (database versions not stated): gnomAD exomes 0.00007 and 0.00019; ExAC 0.00015; gnomAD 0.00015 and 0.00017.
gnomAD v4.1: 128 of 1,543,892 alleles (0.0083%); highest among the groups gnomAD compares: Non-Finnish European, 0.00053%; no homozygotes.

Submissions (3):

Blueprint Genetics
Classification: Likely benign. Last evaluated: 2024-09-30. Review status: criteria provided, single submitter. Criteria: ACMG Guidelines, 2015. Collection method: clinical testing. Allele origin: germline.

Labcorp Genetics (formerly Invitae), Labcorp
Classification: Likely benign for Brugada syndrome 4. Last evaluated: 2020-10-27. Review status: criteria provided, single submitter. Criteria: Invitae Variant Classification Sherloc (09022015). Collection method: clinical testing. Allele origin: germline.

GeneDx
Classification: Uncertain significance. Last evaluated: 2017-02-27. Review status: criteria provided, single submitter. Criteria: GeneDx Variant Classification (06012015). Collection method: clinical testing. Allele origin: germline. Affected: yes.
Comment: The P379R variant of uncertain significance in the CACNB2 gene has not been published as pathogenic or benign to our knowledge. This variant is a non-conservative amino acid substitution, which is likely to impact secondary protein structure as these residues differ in polarity, charge, size and/or other properties. This substitution also occurs at a position that is conserved across species. Furthermore, in silico analysis predicts P379R is probably damaging to the protein structure/function. Nevertheless, the Exome aggregation Consortium has observed P379R in approximately 0.17% of alleles from individuals of Finnish background, indicating it may be a rare benign variant in this population.Therefore, based on the currently available information, it is unclear whether this variant is pathogenic or rare benign.

NM_201596.3(CACNB2):c.1298C>G (p.Pro433Arg)

Gene: CACNB2 (calcium voltage-gated channel auxiliary subunit beta 2; plus strand). Cytogenetic location: 10p12.31.
Variant type: single nucleotide variant.
Coding change: c.1298C>G on transcript NM_201596.3 (MANE Select); coding-DNA position 1298, C replaced by G.
Protein change: p.Pro433Arg; replaces proline 433 with arginine.
Molecular consequence: missense variant.
Genome position (GRCh38, 1-based): chr10:18,536,192, C>G. VCF-style: chr10-18536192-C-G. GRCh37 (hg19) VCF-style: chr10-18825121-C-G.
Other names: c.1133C>G, p.Pro378Arg (NM_000724.4); c.1100C>G, p.Pro367Arg (NM_001167945.2); c.1019C>G, p.Pro340Arg (NM_001330060.2); c.1154C>G, p.Pro385Arg (NM_201570.3); c.1214C>G, p.Pro405Arg (NM_201571.4); c.1142C>G, p.Pro381Arg (NM_201572.4); c.1136C>G, p.Pro379Arg (NM_201590.3); c.1184C>G, p.Pro395Arg (NM_201593.3); and 1 more; short protein forms P379R, P433R, P340R, P381R, P405R, P409R, P385R, P395R.
Identifiers: ClinVar variation 423732 (VCV000423732.11), dbSNP rs200764884, ClinGen allele CA5429965.